The following is an entry in ClinVar:

NM_012330.4(KAT6B):c.6100G>T (p.Ala2034Ser)

Gene: KAT6B (lysine acetyltransferase 6B; plus strand). Cytogenetic location: 10q22.2.
Variant type: single nucleotide variant.
Coding change: c.6100G>T on transcript NM_012330.4 (MANE Select); coding-DNA position 6100, G replaced by T.
Protein change: p.Ala2034Ser; replaces alanine 2034 with serine.
Molecular consequence: missense variant.
Genome position (GRCh38, 1-based): chr10:75,030,924, G>T. VCF-style: chr10-75030924-G-T. GRCh37 (hg19) VCF-style: chr10-76790682-G-T.
Other names: c.5551G>T, p.Ala1851Ser (NM_001256468.2, NM_001370138.1); c.5224G>T, p.Ala1742Ser (NM_001256469.2, NM_001370139.1, NM_001370140.1 and 2 more transcripts); c.5062G>T, p.Ala1688Ser (NM_001370132.1); c.4411G>T, p.Ala1471Ser (NM_001370133.1); c.4015G>T, p.Ala1339Ser (NM_001370134.1); c.3757G>T, p.Ala1253Ser (NM_001370135.1); c.6100G>T, p.Ala2034Ser (NM_001370136.1, NM_001370137.1); c.5035G>T, p.Ala1679Ser (NM_001370143.1, NM_001370144.1); short protein forms A1253S, A1339S, A1471S, A1679S, A1688S, A1742S, A1851S, A2034S.
Identifiers: ClinVar variation 3629127 (VCV003629127.2).

ClinVar aggregate classification (germline): Uncertain significance (1 of 4 stars; one submission).

Conditions:
Genitopatellar syndrome (GTPTS). Also called: ABSENT PATELLAE, SCROTAL HYPOPLASIA, RENAL ANOMALIES, FACIAL DYSMORPHISM, AND MENTAL RETARDATION; Genitopatellar syndrome (GPS). Identifiers: Orphanet 85201, MedGen C1853566, MONDO:0011640, OMIM 606170.

Submission:

Labcorp Genetics (formerly Invitae), Labcorp
Classification: Uncertain significance for Genitopatellar syndrome. Last evaluated: 2025-01-27. Review status: criteria provided, single submitter. Criteria: Invitae Variant Classification Sherloc (09022015). Collection method: clinical testing. Allele origin: germline.
Comment: This sequence change replaces alanine, which is neutral and non-polar, with serine, which is neutral and polar, at codon 2034 of the KAT6B protein (p.Ala2034Ser). This variant is not present in population databases (gnomAD no frequency). This variant has not been reported in the literature in individuals affected with KAT6B-related conditions. Invitae Evidence Modeling of protein sequence and biophysical properties (such as structural, functional, and spatial information, amino acid conservation, physicochemical variation, residue mobility, and thermodynamic stability) indicates that this missense variant is not expected to disrupt KAT6B protein function with a negative predictive value of 80%. In summary, the available evidence is currently insufficient to determine the role of this variant in disease. Therefore, it has been classified as a Variant of Uncertain Significance.